The following is an entry in ClinVar:

ClinVar aggregate classification (germline): Likely pathogenic (1 of 4 stars; one submission).

Submission:

GeneDx
Classification: Likely pathogenic. Last evaluated: 2016-06-03. Review status: criteria provided, single submitter. Criteria: GeneDx Variant Classification (06012015). Collection method: clinical testing. Allele origin: germline. Affected: yes.
Comment: The V462A variant in the ABCC9 gene has not been reported previously as a pathogenic variant, nor as a benign variant, to our knowledge. The V462A variant was not observed in approximately 6,500 individuals of European and African American ancestry in the NHLBI Exome Sequencing Project, indicating it is not a common benign variant in these populations. The V462A variant is a conservative amino acid substitution, which is not likely to impact secondary protein structure as these residues share similar properties. However, this substitution occurs at a position that is conserved across species. In silico analysis is inconsistent in its predictions as to whether or not the variant is damaging to the protein structure/function. Therefore, we interpret V462A as a likely pathogenic variant.

NM_020297.4(ABCC9):c.1385T>C (p.Val462Ala)

Gene: ABCC9 (ATP binding cassette subfamily C member 9; minus strand). Cytogenetic location: 12p12.1.
Variant type: single nucleotide variant.
Coding change: c.1385T>C on transcript NM_020297.4 (MANE Select); coding-DNA position 1385, T replaced by C.
Protein change: p.Val462Ala; replaces valine 462 with alanine.
Molecular consequence: missense variant.
Genome position (GRCh38, 1-based): chr12:21,908,147, A>G on the plus strand (T>C on the coding strand, the complement: ABCC9 is on the minus strand). VCF-style: chr12-21908147-A-G. GRCh37 (hg19) VCF-style: chr12-22061081-A-G.
Other names: c.1385T>C, p.Val462Ala (NM_001377273.1, NM_005691.4); c.521T>C, p.Val174Ala (NM_001377274.1); short protein forms V462A, V174A.
Identifiers: ClinVar variation 421386 (VCV000421386.2), dbSNP rs1001916923, ClinGen allele CA16619503.
Genomic context (GRCh38, chr12:21,908,147, plus strand): 5'-TTCTGAGCCTCTGCCAACTTTGTAGCAATAAAGTACTGAATTGGCGCAAGGAGCACAATG[A>G]CAGCTGCACCGACCAATGCACTTGATCCAAGTAAATTATAGAGCAGAATCACGCCCATTA-3'
Protein context (NP_064693.2, residues 452-472): LGSSALVGAA[Val462Ala]IVLLAPIQYF